The following is an entry in ClinVar:

ClinVar aggregate classification (germline): Uncertain significance (1 of 4 stars; one submission).

Conditions:
Multiple endocrine neoplasia, type 1 (MEN1). Also called: MEA I; MEN I; WERMER SYNDROME; Endocrine adenomatosis multiple; MEN 1. Identifiers: Orphanet 652, MedGen C0025267, MeSH D018761, MONDO:0007540, OMIM 131100.

Submission:

Labcorp Genetics (formerly Invitae), Labcorp
Classification: Uncertain significance for Multiple endocrine neoplasia, type 1. Last evaluated: 2024-05-31. Review status: criteria provided, single submitter. Criteria: Invitae Variant Classification Sherloc (09022015). Collection method: clinical testing. Allele origin: germline.
Comment: This sequence change replaces phenylalanine, which is neutral and non-polar, with serine, which is neutral and polar, at codon 144 of the MEN1 protein (p.Phe144Ser). This variant is not present in population databases (gnomAD no frequency). This missense change has been observed in individual(s) with clinical features of MEN1-related conditions (PMID: 33101196). Advanced modeling of protein sequence and biophysical properties (such as structural, functional, and spatial information, amino acid conservation, physicochemical variation, residue mobility, and thermodynamic stability) performed at Invitae indicates that this missense variant is expected to disrupt MEN1 protein function with a positive predictive value of 95%. In summary, the available evidence is currently insufficient to determine the role of this variant in disease. Therefore, it has been classified as a Variant of Uncertain Significance.

Literature cited by the submitters: PubMed 33101196.

NM_001370259.2(MEN1):c.431T>C (p.Phe144Ser)

Gene: MEN1 (menin 1; minus strand). Cytogenetic location: 11q13.1.
Variant type: single nucleotide variant.
Coding change: c.431T>C on transcript NM_001370259.2 (MANE Select); coding-DNA position 431, T replaced by C.
Protein change: p.Phe144Ser; replaces phenylalanine 144 with serine.
Molecular consequence: missense variant. On other transcripts: non-coding transcript variant (4).
Genome position (GRCh38, 1-based): chr11:64,809,679, A>G on the plus strand (T>C on the coding strand, the complement: MEN1 is on the minus strand). VCF-style: chr11-64809679-A-G. GRCh37 (hg19) VCF-style: chr11-64577151-A-G.
Other names: c.431T>C, p.Phe144Ser (NM_000244.4, NM_001370251.2, NM_001370260.2 and 20 more transcripts); short protein forms F144S.
Identifiers: ClinVar variation 2780215 (VCV002780215.3), dbSNP rs2136178004, ClinGen allele CA381186714.